The following is an entry in ClinVar:

NM_003919.3(SGCE):c.246T>G (p.Asn82Lys)

Genes: CASD1 (CAS1 domain sialic acid O acetyltransferase 1; plus strand), SGCE (sarcoglycan epsilon; minus strand). Cytogenetic location: 7q21.3.
Variant type: single nucleotide variant.
Coding change: c.246T>G on transcript NM_003919.3 (MANE Select); coding-DNA position 246, T replaced by G.
Protein change: p.Asn82Lys; replaces asparagine 82 with lysine.
Molecular consequence: missense variant. On other transcripts: 5 prime UTR variant (2).
Genome position (GRCh38, 1-based): chr7:94,628,346, A>C on the plus strand (T>G on the coding strand, the complement: SGCE is on the minus strand). VCF-style: chr7-94628346-A-C. GRCh37 (hg19) VCF-style: chr7-94257658-A-C.
Other names: c.246T>G, p.Asn82Lys (NM_001099400.2, NM_001099401.2, NM_001346717.2); c.123T>G, p.Asn41Lys (NM_001301139.2, NM_001362809.2); c.354T>G, p.Asn118Lys (NM_001346713.2, NM_001346715.2); c.159T>G, p.Asn53Lys (NM_001346719.2, NM_001362807.2); c.-28T>G (NM_001346720.2, NM_001362808.2); short protein forms N41K, N53K, N118K, N82K.
Identifiers: ClinVar variation 2005084 (VCV002005084.4), dbSNP rs1002342370, ClinGen allele CA162940409.
Genomic context (GRCh38, chr7:94,628,346, plus strand): 5'-TCGAAGCCATCCAGGTCGGTCTGGGTAACCCATTAAATTTGTATTAAATGTTATGGGATC[A>C]TTACTAATCTCGCCTAGATAAGAAACAGAGAATTAAGACATAAGACAGTTATTTTCACAC-3'
Protein context (NP_003910.1, residues 72-92): PPYPKPGEIS[Asn82Lys]DPITFNTNLM

ClinVar aggregate classification (germline): Uncertain significance (1 of 4 stars; one submission).

Conditions:
Myoclonic dystonia 11 (DYT11). Also called: DYT-SGCE; Myoclonic dystonia; Dystonia 11; Dystonia, alcohol responsive; Hereditary essential myoclonus; SGCE Myoclonus-Dystonia. Identifiers: Orphanet 36899, MedGen C1834570, MONDO:0008044, OMIM 159900.

Allele frequency attached by ClinVar (database versions not stated): gnomAD exomes below 0.00001.
gnomAD v4.1: 3 of 1,609,834 alleles (0.00019%); highest among the groups gnomAD compares: Non-Finnish European, 0.00025%; no homozygotes.

Submission:

Labcorp Genetics (formerly Invitae), Labcorp
Classification: Uncertain significance for Myoclonic dystonia 11. Last evaluated: 2022-06-12. Review status: criteria provided, single submitter. Criteria: Invitae Variant Classification Sherloc (09022015). Collection method: clinical testing. Allele origin: germline.
Comment: This sequence change replaces asparagine, which is neutral and polar, with lysine, which is basic and polar, at codon 82 of the SGCE protein (p.Asn82Lys). This variant is not present in population databases (gnomAD no frequency). This variant has not been reported in the literature in individuals affected with SGCE-related conditions. Algorithms developed to predict the effect of missense changes on protein structure and function are either unavailable or do not agree on the potential impact of this missense change (SIFT: "Deleterious"; PolyPhen-2: "Benign"; Align-GVGD: "Class C0"). In summary, the available evidence is currently insufficient to determine the role of this variant in disease. Therefore, it has been classified as a Variant of Uncertain Significance.